The following is an entry in ClinVar:

NM_000373.4(UMPS):c.827G>A (p.Ser276Asn)

Gene: UMPS (uridine monophosphate synthetase; plus strand). Cytogenetic location: 3q21.2.
Variant type: single nucleotide variant.
Coding change: c.827G>A on transcript NM_000373.4 (MANE Select); coding-DNA position 827, G replaced by A.
Protein change: p.Ser276Asn; replaces serine 276 with asparagine.
Molecular consequence: missense variant. On other transcripts: non-coding transcript variant (2).
Genome position (GRCh38, 1-based): chr3:124,738,084, G>A. VCF-style: chr3-124738084-G-A. GRCh37 (hg19) VCF-style: chr3-124456931-G-A.
Other names: short protein forms S276N.
Identifiers: ClinVar variation 342929 (VCV000342929.15), dbSNP rs140804035, ClinGen allele CA2581715.
Genomic context (GRCh38, chr3:124,738,084, plus strand): 5'-TATCTGCTGATGTTTCACTGGCCAGAGAGCTGTTGCAGCTAGCAGATGCTTTAGGACCTA[G>A]TATCTGCATGCTGAAGACTCATGTAGATATTTTGAATGATTTTACTCTGGATGTGATGAA-3'
Protein context (NP_000364.1, residues 266-286): LLQLADALGP[Ser276Asn]ICMLKTHVDI

ClinVar aggregate classification (germline): Conflicting classifications of pathogenicity. Review status: criteria provided, conflicting classifications (1 of 4 stars). 3 submissions from 3 submitters: Uncertain significance (2); Likely benign (1). Last evaluated 2026-08-21.

Conditions:
Hereditary orotic aciduria, type 1. Also called: Orotic aciduria type 1; Oroticaciduria 1. Identifiers: MedGen C0268130.
Inborn genetic diseases. Identifiers: MedGen C0950123, MeSH D030342.
Oroticaciduria. Also called: Orotic aciduria. Identifiers: Orphanet 30, MedGen C0268128, HP:0003218.

Allele frequency attached by ClinVar (database versions not stated): gnomAD 0.00072 and 0.00074; TOPMed 0.00072; 1000 Genomes Project 0.00120; 1000 Genomes Project 30x 0.00141; ExAC 0.00049; gnomAD exomes 0.00060 and 0.00086; ESP Exome Variant Server 0.00077.
gnomAD v4.1: 1,374 of 1,614,226 alleles (0.085%); highest among the groups gnomAD compares: Admixed American, 0.15%; 2 homozygotes.

Submissions (3):

Ambry Genetics
Classification: Likely benign for Inborn genetic diseases. Last evaluated: 2026-08-21. Review status: criteria provided, single submitter. Criteria: Ambry Variant Classification Scheme 2023. Collection method: clinical testing. Allele origin: germline.

Labcorp Genetics (formerly Invitae), Labcorp
Classification: Uncertain significance for Hereditary orotic aciduria, type 1. Last evaluated: 2024-04-18. Review status: criteria provided, single submitter. Criteria: Invitae Variant Classification Sherloc (09022015). Collection method: clinical testing. Allele origin: germline.
Comment: This sequence change replaces serine, which is neutral and polar, with asparagine, which is neutral and polar, at codon 276 of the UMPS protein (p.Ser276Asn). This variant is present in population databases (rs140804035, gnomAD 0.1%), and has an allele count higher than expected for a pathogenic variant. This variant has not been reported in the literature in individuals affected with UMPS-related conditions. ClinVar contains an entry for this variant (Variation ID: 342929). Advanced modeling of protein sequence and biophysical properties (such as structural, functional, and spatial information, amino acid conservation, physicochemical variation, residue mobility, and thermodynamic stability) performed at Invitae indicates that this missense variant is not expected to disrupt UMPS protein function with a negative predictive value of 80%. In summary, the available evidence is currently insufficient to determine the role of this variant in disease. Therefore, it has been classified as a Variant of Uncertain Significance.

Illumina Laboratory Services, Illumina
Classification: Uncertain significance for Hereditary orotic aciduria. Last evaluated: 2018-01-13. Review status: criteria provided, single submitter. Criteria: ICSL Variant Classification Criteria 13 December 2019. Collection method: clinical testing. Allele origin: germline.